The following is an entry in ClinVar:

NM_005458.8(GABBR2):c.253A>G (p.Ile85Val)

Gene: GABBR2 (gamma-aminobutyric acid type B receptor subunit 2; minus strand). Cytogenetic location: 9q22.33.
Variant type: single nucleotide variant.
Coding change: c.253A>G on transcript NM_005458.8 (MANE Select); coding-DNA position 253, A replaced by G.
Protein change: p.Ile85Val; replaces isoleucine 85 with valine.
Molecular consequence: missense variant.
Genome position (GRCh38, 1-based): chr9:98,708,485, T>C on the plus strand (A>G on the coding strand, the complement: GABBR2 is on the minus strand). VCF-style: chr9-98708485-T-C. GRCh37 (hg19) VCF-style: chr9-101470767-T-C.
Other names: short protein forms I85V.
Identifiers: ClinVar variation 858249 (VCV000858249.9), dbSNP rs1230517696, ClinGen allele CA374212422.

ClinVar aggregate classification (germline): Uncertain significance (1 of 4 stars; one submission).

Conditions:
Epileptic encephalopathy. Identifiers: MedGen C0543888, HP:0200134.

Allele frequency attached by ClinVar (database versions not stated): gnomAD exomes below 0.00001 and 0.00001; TOPMed below 0.00001.
gnomAD v4.1: 11 of 1,594,534 alleles (0.00069%); highest among the groups gnomAD compares: Non-Finnish European, 0.00085%; no homozygotes.

Submission:

Labcorp Genetics (formerly Invitae), Labcorp
Classification: Uncertain significance for Epileptic encephalopathy. Last evaluated: 2022-07-11. Review status: criteria provided, single submitter. Criteria: Invitae Variant Classification Sherloc (09022015). Collection method: clinical testing. Allele origin: germline.
Comment: In summary, the available evidence is currently insufficient to determine the role of this variant in disease. Therefore, it has been classified as a Variant of Uncertain Significance. Algorithms developed to predict the effect of missense changes on protein structure and function are either unavailable or do not agree on the potential impact of this missense change (SIFT: "Deleterious"; PolyPhen-2: "Benign"; Align-GVGD: "Class C0"). ClinVar contains an entry for this variant (Variation ID: 858249). This variant has not been reported in the literature in individuals affected with GABBR2-related conditions. The frequency data for this variant in the population databases is considered unreliable, as metrics indicate poor data quality at this position in the gnomAD database. This sequence change replaces isoleucine, which is neutral and non-polar, with valine, which is neutral and non-polar, at codon 85 of the GABBR2 protein (p.Ile85Val).